The following is an entry in ClinVar:

NM_000059.4(BRCA2):c.8087T>C (p.Leu2696Ser)

Gene: BRCA2 (BRCA2 DNA repair associated; plus strand). Cytogenetic location: 13q13.1.
Variant type: single nucleotide variant.
Coding change: c.8087T>C on transcript NM_000059.4 (MANE Select); coding-DNA position 8087, T replaced by C.
Protein change: p.Leu2696Ser; replaces leucine 2696 with serine.
Molecular consequence: missense variant. On other transcripts: non-coding transcript variant (1).
Genome position (GRCh38, 1-based): chr13:32,363,289, T>C. VCF-style: chr13-32363289-T-C. GRCh37 (hg19) VCF-style: chr13-32937426-T-C.
Other names: c.7991T>C, p.Leu2664Ser (NM_001406719.1); c.8087T>C, p.Leu2696Ser (NM_001406720.1); c.3155T>C, p.Leu1052Ser (NM_001406721.1); c.1670T>C, p.Leu557Ser (NM_001406722.1); short protein forms L1052S, L2664S, L2696S, L557S.
Identifiers: ClinVar variation 2505520 (VCV002505520.5), dbSNP rs80359050, ClinGen allele CA387749253.

ClinVar aggregate classification (germline): Uncertain significance. Review status: criteria provided, multiple submitters, no conflicts (2 of 4 stars). 2 submissions from 2 submitters: Uncertain significance (2). Last evaluated 2023-09-18.

Conditions:
Breast-ovarian cancer, familial, susceptibility to, 2 (BROVCA2). Also called: BRCA2 Hereditary Breast and Ovarian Cancer. Identifiers: Orphanet 145, MedGen C2675520, MONDO:0012933, OMIM 612555. Disease mechanism: loss of function.
Hereditary breast ovarian cancer syndrome. Also called: Hereditary breast and ovarian cancer syndrome; Hereditary breast and ovarian cancer syndrome (HBOC); Breast and ovarian cancer; BRCA1- and BRCA2-Associated Hereditary Breast and Ovarian Cancer; Hereditary breast and/or ovarian cancer syndrome; Hereditary breast and ovarian cancer. Identifiers: Orphanet 145, MedGen C0677776, MeSH D061325, MONDO:0003582. Disease mechanism: loss of function.

Allele frequency attached by ClinVar (database versions not stated): gnomAD exomes below 0.00001.
gnomAD v4.1: 1 of 1,614,178 alleles (0.000062%); highest among the groups gnomAD compares: Non-Finnish European, 0.000085%; no homozygotes.

Submissions (2):

Labcorp Genetics (formerly Invitae), Labcorp
Classification: Uncertain significance for Hereditary breast ovarian cancer syndrome. Last evaluated: 2023-09-18. Review status: criteria provided, single submitter. Criteria: Invitae Variant Classification Sherloc (09022015). Collection method: clinical testing. Allele origin: germline.
Comment: Advanced modeling of protein sequence and biophysical properties (such as structural, functional, and spatial information, amino acid conservation, physicochemical variation, residue mobility, and thermodynamic stability) performed at Invitae indicates that this missense variant is not expected to disrupt BRCA2 protein function. In summary, the available evidence is currently insufficient to determine the role of this variant in disease. Therefore, it has been classified as a Variant of Uncertain Significance. ClinVar contains an entry for this variant (Variation ID: 2505520). This variant has not been reported in the literature in individuals affected with BRCA2-related conditions. This variant is not present in population databases (gnomAD no frequency). This sequence change replaces leucine, which is neutral and non-polar, with serine, which is neutral and polar, at codon 2696 of the BRCA2 protein (p.Leu2696Ser).

KCCC/NGS Laboratory, Kuwait Cancer Control Center
Classification: Uncertain significance for Breast-ovarian cancer, familial, susceptibility to, 2. Last evaluated: 2023-06-06. Review status: criteria provided, single submitter. Criteria: ACMG Guidelines, 2015. Collection method: clinical testing. Allele origin: germline. Affected: yes.
Comment: The p.Leu2696Ser variant located in coding exon 18 of the BRCA2 gene, results from a T to C substitution at nucleotide position 8087. The leucine at codon 2696 is replaced by Serine, This amino acid position is not conserved (PhyloP= -0.01 ). This variant not present in our local database nor was it identified in the Genome Aggregation Database The computational analyses (PolyPhen-2, SIFT, MutationTaster) do not suggest a high pathogenic impacts on the protein; however, this information is not predictive enough to rule out pathogenicity. ClinVar has an entry (52501) for another variant c.8087T>A at same postion with different aminoacid change p.Leu2696Ter reported as pathogenic and entry (192219) for another variant c.8087T>G at same postion with different aminoacid change p.Leu2696Trp reported as uncertain significance . Since supporting evidence is limited at this time, this variant is classified as of uncertain significance. Heterozygous mutation in the BRCA2 gene associated with (Breast-ovarian cancer, familial, 2),